The following is an entry in ClinVar:

NM_144670.6(A2ML1):c.479T>C (p.Leu160Pro)

Gene: A2ML1 (alpha-2-macroglobulin like 1; plus strand). Cytogenetic location: 12p13.31.
Variant type: single nucleotide variant.
Coding change: c.479T>C on transcript NM_144670.6 (MANE Select); coding-DNA position 479, T replaced by C.
Protein change: p.Leu160Pro; replaces leucine 160 with proline.
Molecular consequence: missense variant.
Genome position (GRCh38, 1-based): chr12:8,834,678, T>C. VCF-style: chr12-8834678-T-C. GRCh37 (hg19) VCF-style: chr12-8987274-T-C.
Other names: c.479T>C (NM_144670.3); short protein forms L160P.
Identifiers: ClinVar variation 984520 (VCV000984520.2), dbSNP rs769954501, ClinGen allele CA6435319.
Genomic context (GRCh38, chr12:8,834,678, plus strand): 5'-CTGTCAACCTTCTTTAACCCGCATTATCTGGTTTTCCTTTTCAGTACTCCATGGTGGAAC[T>C]ACAGGTAAGCGGAAGTTTCTTTCTCTTCTCTGTCAGTTGTGGAAGAGGAAGAATGAGAAT-3'
Protein context (NP_653271.3, residues 150-170): PVNDKYSMVE[Leu160Pro]QDPNSNRIAQ

ClinVar aggregate classification (germline): Uncertain significance. Review status: criteria provided, multiple submitters, no conflicts (2 of 4 stars). 2 submissions from 2 submitters: Uncertain significance (2). Last evaluated 2024-06-28.

Allele frequency attached by ClinVar (database versions not stated): gnomAD exomes below 0.00001; ExAC 0.00001; TOPMed 0.00001.

Submissions (2):

Ambry Genetics
Classification: Uncertain significance. Last evaluated: 2024-06-28. Review status: criteria provided, single submitter. Criteria: Ambry Variant Classification Scheme 2023. Collection method: clinical testing. Allele origin: germline.

Women's Health and Genetics/Laboratory Corporation of America, LabCorp
Classification: Uncertain significance. Last evaluated: 2020-10-19. Review status: criteria provided, single submitter. Criteria: LabCorp Variant Classification Summary - May 2015. Collection method: clinical testing. Allele origin: germline.
Comment: Variant summary: A2ML1 c.479T>C (p.Leu160Pro) results in a non-conservative amino acid change located in the Macroglobulin domain (IPR002890) of the encoded protein sequence. Three of five in-silico tools predict a damaging effect of the variant on protein function. The variant allele was found at a frequency of 4e-06 in 249502 control chromosomes (gnomAD). The available data on variant occurrences in the general population are insufficient to allow any conclusion about variant significance. To our knowledge, no occurrence of c.479T>C in individuals affected with Noonan Syndrome and no experimental evidence demonstrating its impact on protein function have been reported. No clinical diagnostic laboratories have submitted clinical-significance assessments for this variant to ClinVar after 2014. Based on the evidence outlined above, the variant was classified as uncertain significance.